The following is an entry in ClinVar:

NM_000257.4(MYH7):c.3895T>G (p.Ser1299Ala)

Gene: MYH7 (myosin heavy chain 7; minus strand). Cytogenetic location: 14q11.2.
Variant type: single nucleotide variant.
Coding change: c.3895T>G on transcript NM_000257.4 (MANE Select); coding-DNA position 3895, T replaced by G.
Protein change: p.Ser1299Ala; replaces serine 1299 with alanine.
Molecular consequence: missense variant.
Genome position (GRCh38, 1-based): chr14:23,419,254, A>C on the plus strand (T>G on the coding strand, the complement: MYH7 is on the minus strand). VCF-style: chr14-23419254-A-C. GRCh37 (hg19) VCF-style: chr14-23888463-A-C.
Other names: c.3895T>G, p.Ser1299Ala (NM_001407004.1); short protein forms S1299A.
Identifiers: ClinVar variation 2773902 (VCV002773902.5), dbSNP rs2502260440, ClinGen allele CA389041673.

ClinVar aggregate classification (germline): Uncertain significance. Review status: criteria provided, multiple submitters, no conflicts (2 of 4 stars). 2 submissions from 2 submitters: Uncertain significance (2). Last evaluated 2024-03-07.

Conditions:
Cardiomyopathy (CMYO). Also called: Cardiomyopathies. Identifiers: Orphanet 167848, MedGen C0878544, MONDO:0004994, HP:0001638. Inheritance: Various modes of inheritance.
Hypertrophic cardiomyopathy. Also called: HYPERTROPHIC MYOCARDIOPATHY. Identifiers: Orphanet 217569, MedGen C0007194, MeSH D002312, MONDO:0005045, HP:0001639.

Submissions (2):

Color Diagnostics, LLC DBA Color Health
Classification: Uncertain significance for Cardiomyopathy. Last evaluated: 2024-03-07. Review status: criteria provided, single submitter. Criteria: ACMG Guidelines, 2015. Collection method: clinical testing. Allele origin: germline.
Comment: This missense variant replaces serine with alanine at codon 1299 of the MYH7 protein. Computational prediction suggests that this variant may not impact protein structure and function (internally defined REVEL score threshold <= 0.5, PMID: 27666373). To our knowledge, functional studies have not been reported for this variant. This variant has not been reported in individuals affected with cardiovascular disorders in the literature. This variant has not been identified in the general population by the Genome Aggregation Database (gnomAD). The available evidence is insufficient to determine the role of this variant in disease conclusively. Therefore, this variant is classified as a Variant of Uncertain Significance.

Labcorp Genetics (formerly Invitae), Labcorp
Classification: Uncertain significance for Hypertrophic cardiomyopathy. Last evaluated: 2022-10-29. Review status: criteria provided, single submitter. Criteria: Invitae Variant Classification Sherloc (09022015). Collection method: clinical testing. Allele origin: germline.
Comment: Advanced modeling of protein sequence and biophysical properties (such as structural, functional, and spatial information, amino acid conservation, physicochemical variation, residue mobility, and thermodynamic stability) has been performed at Invitae for this missense variant, however the output from this modeling did not meet the statistical confidence thresholds required to predict the impact of this variant on MYH7 protein function. This variant has not been reported in the literature in individuals affected with MYH7-related conditions. This variant is not present in population databases (gnomAD no frequency). This sequence change replaces serine, which is neutral and polar, with alanine, which is neutral and non-polar, at codon 1299 of the MYH7 protein (p.Ser1299Ala). In summary, the available evidence is currently insufficient to determine the role of this variant in disease. Therefore, it has been classified as a Variant of Uncertain Significance.